The following is an entry in ClinVar:

NM_003332.4(TYROBP):c.262_263insTATCACTG (p.Glu88fs)

Gene: TYROBP (transmembrane immune signaling adaptor TYROBP; minus strand). Cytogenetic location: 19q13.12.
Variant type: Insertion.
Coding change: c.262_263insTATCACTG on transcript NM_003332.4 (MANE Select); coding-DNA positions 262 to 263, TATCACTG inserted.
Protein change: p.Glu88fs; shifts the reading frame from glutamic acid 88.
Molecular consequence: frameshift variant. On other transcripts: non-coding transcript variant (1).
Genome position: GRCh38 VCF-style: chr19-35907231-T-TCAGTGATA. GRCh37 (hg19) VCF-style: chr19-36398133-T-TCAGTGATA.
Other names: c.229_230insTATCACTG, p.Glu77fs (NM_001173514.2); c.226_227insTATCACTG, p.Glu76fs (NM_001173515.2); c.259_260insTATCACTG, p.Glu87fs (NM_198125.3); short protein forms E77fs, E88fs, E76fs, E87fs.
Identifiers: ClinVar variation 2069206 (VCV002069206.4), dbSNP rs1568504476, ClinGen allele CA632770024.

ClinVar aggregate classification (germline): Uncertain significance (1 of 4 stars; one submission).

Submission:

Labcorp Genetics (formerly Invitae), Labcorp
Classification: Uncertain significance. Last evaluated: 2022-02-22. Review status: criteria provided, single submitter. Criteria: Invitae Variant Classification Sherloc (09022015). Collection method: clinical testing. Allele origin: germline.
Comment: In summary, the available evidence is currently insufficient to determine the role of this variant in disease. Therefore, it has been classified as a Variant of Uncertain Significance. Experimental studies and prediction algorithms are not available or were not evaluated, and the functional significance of this variant is currently unknown. This variant has not been reported in the literature in individuals affected with TYROBP-related conditions. This variant is present in population databases (no rsID available, gnomAD 0.003%). This sequence change results in a frameshift in the TYROBP gene (p.Glu88Valfs*34). While this is not anticipated to result in nonsense mediated decay, it is expected to disrupt the last 26 amino acid(s) of the TYROBP protein and extend the protein by 7 additional amino acid residues.